The following is an entry in ClinVar:

NM_001256545.2(MEGF10):c.212G>A (p.Arg71Gln)

Gene: MEGF10 (multiple EGF like domains 10; plus strand). Cytogenetic location: 5q23.2.
Variant type: single nucleotide variant.
Coding change: c.212G>A on transcript NM_001256545.2 (MANE Select); coding-DNA position 212, G replaced by A.
Protein change: p.Arg71Gln; replaces arginine 71 with glutamine.
Molecular consequence: missense variant.
Genome position (GRCh38, 1-based): chr5:127,339,215, G>A. VCF-style: chr5-127339215-G-A. GRCh37 (hg19) VCF-style: chr5-126674907-G-A.
Other names: c.212G>A, p.Arg71Gln (NM_001308119.2, NM_001308121.2, NM_032446.3); short protein forms R71Q.
Identifiers: ClinVar variation 350636 (VCV000350636.7), dbSNP rs886059862, ClinGen allele CA10618915.

ClinVar aggregate classification (germline): Uncertain significance. Review status: criteria provided, multiple submitters, no conflicts (2 of 4 stars). 2 submissions from 2 submitters: Uncertain significance (2). Last evaluated 2021-08-28.

Conditions:
MEGF10-related myopathy (CMYO10A). Also called: Congenital myopathy 10A, severe variant. Identifiers: Orphanet 439212, MedGen C3280679, MONDO:0013731, OMIM 614399.

Allele frequency attached by ClinVar (database versions not stated): gnomAD exomes below 0.00001 and 0.00001; gnomAD 0.00001; TOPMed 0.00002.
gnomAD v4.1: 23 of 1,608,570 alleles (0.0014%); highest among the groups gnomAD compares: East Asian, 0.0022%; no homozygotes.

Submissions (2):

GeneDx
Classification: Uncertain significance. Last evaluated: 2021-08-28. Review status: criteria provided, single submitter. Criteria: GeneDx Variant Classification Process June 2021. Collection method: clinical testing. Allele origin: germline. Affected: yes.
Comment: Not observed at significant frequency in large population cohorts (Lek et al., 2016); In silico analysis supports that this missense variant does not alter protein structure/function; Has not been previously published as pathogenic or benign to our knowledge

Illumina Laboratory Services, Illumina
Classification: Uncertain significance for MEGF10-related myopathy. Last evaluated: 2018-01-13. Review status: criteria provided, single submitter. Criteria: ICSL Variant Classification Criteria 13 December 2019. Collection method: clinical testing. Allele origin: germline.